The following is an entry in ClinVar:

ClinVar aggregate classification (germline): Conflicting classifications of pathogenicity. Review status: criteria provided, conflicting classifications (1 of 4 stars). 3 submissions from 3 submitters: Uncertain significance (1); Likely benign (2). Last evaluated 2026-01-26.

Conditions:
Hereditary cancer-predisposing syndrome. Also called: Neoplastic Syndromes, Hereditary; Tumor predisposition; Hereditary Cancer Syndrome; Hereditary neoplastic syndrome. Identifiers: Orphanet 140162, MedGen C0027672, MeSH D009386, MONDO:0015356.
POLD1-related polyposis and colorectal cancer syndrome (CRCS10). Also called: Colorectal cancer 10; COLORECTAL CANCER, SUSCEPTIBILITY TO, ON CHROMOSOME 19q; Colorectal cancer, susceptibility to, 10. Identifiers: Orphanet 220460, MedGen C2675481, MONDO:0012953, OMIM 612591.

Allele frequency attached by ClinVar (database versions not stated): gnomAD 0.00001 and 0.00002; TOPMed 0.00003; ExAC 0.00001; gnomAD exomes below 0.00001.
gnomAD v4.1: 10 of 1,605,706 alleles (0.00062%); highest among the groups gnomAD compares: African/African-American, 0.0027%; no homozygotes.

Submissions (3):

Labcorp Genetics (formerly Invitae), Labcorp
Classification: Likely benign for POLD1-related polyposis and colorectal cancer syndrome. Last evaluated: 2026-01-26. Review status: criteria provided, single submitter. Criteria: Invitae Variant Classification Sherloc (09022015). Collection method: clinical testing. Allele origin: germline.

Center for Genomic Medicine, Rigshospitalet, Copenhagen University Hospital
Classification: Likely benign. Last evaluated: 2025-03-04. Review status: criteria provided, single submitter. Criteria: ACMG Guidelines, 2015. Collection method: clinical testing. Allele origin: germline.

Ambry Genetics
Classification: Uncertain significance for Hereditary cancer-predisposing syndrome. Last evaluated: 2015-11-11. Review status: criteria provided, single submitter. Criteria: Ambry Variant Classification Scheme 2023. Collection method: clinical testing. Allele origin: germline.
Comment: The c.1384-17C>G intronic alteration consists of a C to G substitution 17 nucleotides before coding exon 11 in the POLD1 gene. Based on insufficient or conflicting evidence, the clinical significance of this alteration remains unclear.

NM_002691.4(POLD1):c.1384-17C>G

Gene: POLD1 (DNA polymerase delta 1, catalytic subunit; plus strand). Cytogenetic location: 19q13.33.
Variant type: single nucleotide variant.
Coding change: c.1384-17C>G on transcript NM_002691.4 (MANE Select); 17 bases into the intron before coding-DNA position 1384, C replaced by G.
Molecular consequence: intron variant.
Genome position (GRCh38, 1-based): chr19:50,406,390, C>G. VCF-style: chr19-50406390-C-G. GRCh37 (hg19) VCF-style: chr19-50909647-C-G.
Other names: c.1384-17C>G (NM_002691.2, NM_001256849.1, NM_001308632.1).
Identifiers: ClinVar variation 1556662 (VCV001556662.11), dbSNP rs770762282, ClinGen allele CA9596130.